The following is an entry in ClinVar:

ClinVar aggregate classification (germline): Uncertain significance. Review status: criteria provided, multiple submitters, no conflicts (2 of 4 stars). 2 submissions from 2 submitters: Uncertain significance (2). Last evaluated 2024-03-07.

Conditions:
Primary ciliary dyskinesia. Also called: Ciliary dyskinesia. Identifiers: Orphanet 244, MedGen C0008780, MONDO:0016575, HP:0012265.

Submissions (2):

Labcorp Genetics (formerly Invitae), Labcorp
Classification: Uncertain significance for Primary ciliary dyskinesia. Last evaluated: 2024-03-07. Review status: criteria provided, single submitter. Criteria: Invitae Variant Classification Sherloc (09022015). Collection method: clinical testing. Allele origin: germline.
Comment: This variant, c.2525_2578dup, results in the insertion of 18 amino acid(s) of the RPGR (ORF15) protein (p.Gly842_Glu859dup), but otherwise preserves the integrity of the reading frame. The frequency data for this variant in the population databases is considered unreliable, as metrics indicate insufficient coverage at this position in the gnomAD database. This variant has not been reported in the literature in individuals affected with RPGR (ORF15)-related conditions. ClinVar contains an entry for this variant (Variation ID: 1802362). In summary, the available evidence is currently insufficient to determine the role of this variant in disease. Therefore, it has been classified as a Variant of Uncertain Significance.

PreventionGenetics, part of Exact Sciences
Classification: Uncertain significance. Last evaluated: 2015-12-16. Review status: criteria provided, single submitter. Criteria: ACMG Guidelines, 2015. Collection method: clinical testing. Allele origin: germline.

NM_001034853.2(RPGR):c.2525_2578dup (p.Glu859_Glu860insGlyGluGluGluGluGlyGluGlyGluGluGluGluGlyGluGlyLysGlyGlu)

Gene: RPGR (retinitis pigmentosa GTPase regulator; minus strand). Cytogenetic location: Xp11.4.
Variant type: Duplication.
Coding change: c.2525_2578dup on transcript NM_001034853.2 (MANE Select); coding-DNA positions 2525 to 2578, 54 bases duplicated.
Protein change: p.Glu859_Glu860insGlyGluGluGluGluGlyGluGlyGluGluGluGluGlyGluGlyLysGlyGlu.
Molecular consequence: inframe insertion. On other transcripts: intron variant (8).
Genome position (GRCh38, 1-based): chrX:38,286,421-38,286,474, 54 bases duplicated. GRCh37 (hg19): chrX:38,145,683-38,145,736.
Other names: c.1569+4485_1569+4538dup (NM_001367249.1, NM_001367250.1); c.1902+620_1902+673dup (NM_001367245.1); c.1386+4485_1386+4538dup (NM_001367251.1); c.1719+620_1719+673dup (NM_001367246.1); c.1572+4485_1572+4538dup (NM_001367247.1); c.1905+620_1905+673dup (NM_000328.3); c.1602+4485_1602+4538dup (NM_001367248.1).
Identifiers: ClinVar variation 1802362 (VCV001802362.6), dbSNP rs2519789434, ClinGen allele CA2580100898.